The following is an entry in ClinVar:

NM_001387690.1(KATNAL2):c.52-17670G>A

Gene: KATNAL2 (katanin catalytic subunit A1 like 2; plus strand). Cytogenetic location: 18q21.1.
Variant type: single nucleotide variant.
Coding change: c.52-17670G>A on transcript NM_001387690.1 (MANE Select); 17670 bases into the intron before coding-DNA position 52, G replaced by A.
Molecular consequence: intron variant.
Genome position (GRCh38, 1-based): chr18:47,028,787, G>A. VCF-style: chr18-47028787-G-A. GRCh37 (hg19) VCF-style: chr18-44555158-G-A.
Other names: c.-1-29448G>A (NM_001353904.1, NM_001353903.1, NM_001353907.1 and 3 more transcripts); c.130-17670G>A (NM_001353899.1, NM_001353900.1, NM_001353902.1); c.52-17670G>A (NM_001353901.1, NM_001367621.1); c.-294-17670G>A (NM_001353905.1); c.-94-24093G>A (NM_031303.3).
Identifiers: ClinVar variation 5040953 (VCV005040953.1).

ClinVar aggregate classification (germline): Likely benign (1 of 4 stars; one submission).

Submission:

CeGaT Center for Human Genetics Tuebingen
Classification: Likely benign. Last evaluated: 2026-09-01. Review status: criteria provided, single submitter. Criteria: CeGaT Center For Human Genetics Tuebingen Variant Classification Criteria Version 2. Collection method: clinical testing. Allele origin: germline. Affected: yes. Observed: 1 variant allele.
Comment: ELOA3P: BP4, BP7